The following is an entry in ClinVar:

ClinVar aggregate classification (germline): Uncertain significance (1 of 4 stars; one submission).

gnomAD v4.1: 4 of 1,609,626 alleles (0.00025%); highest among the groups gnomAD compares: Non-Finnish European, 0.00034%; no homozygotes.

Submissions (4):

GeneDx
Classification: Uncertain significance. Last evaluated: 2025-05-29. Review status: criteria provided, single submitter. Criteria: GeneDx Variant Classification Process June 2021. Collection method: clinical testing. Allele origin: germline. Affected: yes.
Comment: Not observed at significant frequency in large population cohorts (gnomAD); Has not been previously published as pathogenic or benign to our knowledge; In silico analysis suggests this variant may impact gene splicing. In the absence of RNA/functional studies, the actual effect of this sequence change is unknown.

Dr. Peter K. Rogan Lab, Western University
No classification provided (evidence only). Condition: Nonpapillary renal cell carcinoma. Review status: no classification provided. Collection method: in vitro. Allele origin: not applicable. Functional consequence: retained intron. Not counted in ClinVar's aggregate classification.

Dr. Peter K. Rogan Lab, Western University
No classification provided (evidence only). Condition: Ovarian serous cystadenocarcinoma. Review status: no classification provided. Collection method: in vitro. Allele origin: not applicable. Functional consequence: retained intron. Not counted in ClinVar's aggregate classification.

Dr. Peter K. Rogan Lab, Western University
No classification provided (evidence only). Condition: Ovarian serous cystadenocarcinoma. Review status: no classification provided. Collection method: in vitro. Allele origin: not applicable. Functional consequence: retained intron. Not counted in ClinVar's aggregate classification.

NM_003477.3(PDHX):c.108T>G (p.Ser36=)

Genes: PDHX (pyruvate dehydrogenase complex component X; plus strand), LOC130005549 (ATAC-STARR-seq lymphoblastoid active region 4608; plus strand). Cytogenetic location: 11p13.
Variant type: single nucleotide variant.
Coding change: c.108T>G on transcript NM_003477.3 (MANE Select); coding-DNA position 108, T replaced by G.
Protein change: p.Ser36=; no amino-acid change (serine 36 retained).
Molecular consequence: synonymous variant. On other transcripts: intron variant (1).
Genome position (GRCh38, 1-based): chr11:34,916,763, T>G. VCF-style: chr11-34916763-T-G. GRCh37 (hg19) VCF-style: chr11-34938310-T-G.
Other names: NC_000011.9:g.34938310T>G; c.108T>G, p.Ser36= (NM_001166158.2); c.-21+277T>G (NM_001135024.2); c.108T>G (NM_003477.2).
Identifiers: ClinVar variation 4371148 (VCV004371148.2).